The following is an entry in ClinVar:

ClinVar aggregate classification (germline): Uncertain significance. Review status: reviewed by expert panel (3 of 4 stars). 2 submissions from 2 submitters: Uncertain significance (1). 1 of the submissions does not count toward it. Last evaluated 2024-07-29.

Conditions:
T-cell immunodeficiency, congenital alopecia, and nail dystrophy. Also called: Congenital alopecia and nail dystrophy associated with severe functional T-cell immunodeficiency; Pignata Guarino syndrome. Identifiers: Orphanet 169095, MedGen C1866426, MONDO:0011132, OMIM 601705.

Allele frequency attached by ClinVar (database versions not stated): gnomAD 0.00001; gnomAD exomes 0.00002; ExAC 0.00003; TOPMed 0.00003.
gnomAD v4.1: 10 of 1,612,700 alleles (0.00062%); highest among the groups gnomAD compares: Admixed American, 0.017%; no homozygotes.

Submissions (2):

ClinGen Severe Combined Immunodeficiency Variant Curation Expert Panel, ClinGen
Classification: Uncertain significance for T-cell immunodeficiency, congenital alopecia, and nail dystrophy. Last evaluated: 2024-07-29. Review status: reviewed by expert panel. Criteria: ClinGen SCID ACMG Specifications FOXN1 V1.0.0. Collection method: curation. Allele origin: germline. Inheritance: Semidominant inheritance.
Comment: NM_001369369.1(FOXN1):c.1135+5G>C is a splice site variant found after exon 7. The variant has a pop-max allele frequency of 0.0001044 based upon the admixed American subpopulation, which is greater than 0.0000447 and less than 0.00141 and thus does not meet PM2_supporting or BS1. At least one heterozygous patient has been reported with an absent thymic shadow, low T cell count for age 0.8x10^9/L, and low TRECs (P7 from PMID: 31447097, PP4). The patient was also sequenced and reportedly negative for other SCID causing genes. AI predictive splicing algorithm splice AI predicts a score of 0.26 for acceptor site loss (PP3). In summary this variant meets criteria to be classified as a variant of uncertain significance for semidominant T-cell immunodeficiency, congenital alopecia, and nail dystrophy due to FOXN1 deficiency based on the ACMG/AMP criteria applied: PP3 and PP4, as specified by the ClinGen SCID VCEP FOXN1 subgroup.

Labcorp Genetics (formerly Invitae), Labcorp
Classification: Uncertain significance for T-cell immunodeficiency, congenital alopecia, and nail dystrophy. Last evaluated: 2025-05-26. Review status: criteria provided, single submitter. Criteria: Invitae Variant Classification Sherloc (09022015). Collection method: clinical testing. Allele origin: germline. Not counted in ClinVar's aggregate classification.
Comment: This sequence change falls in intron 6 of the FOXN1 gene. It does not directly change the encoded amino acid sequence of the FOXN1 protein. It affects a nucleotide within the consensus splice site. This variant is present in population databases (rs779158182, gnomAD 0.02%). This variant has been observed in individual(s) with clinical features of FOXN1-related disorders (PMID: 31447097). ClinVar contains an entry for this variant (Variation ID: 2726823). Variants that disrupt the consensus splice site are a relatively common cause of aberrant splicing (PMID: 17576681, 9536098). Algorithms developed to predict the effect of sequence changes on RNA splicing suggest that this variant may disrupt the consensus splice site. In summary, the available evidence is currently insufficient to determine the role of this variant in disease. Therefore, it has been classified as a Variant of Uncertain Significance.

Literature cited by the submitters: PubMed 31447097 (cited by Labcorp Genetics (formerly Invitae), Labcorp); PubMed 17576681 (cited by Labcorp Genetics (formerly Invitae), Labcorp); PubMed 9536098 (cited by Labcorp Genetics (formerly Invitae), Labcorp).

NM_001369369.1(FOXN1):c.1135+5G>C

Gene: FOXN1 (forkhead box N1; plus strand). Cytogenetic location: 17q11.2.
Variant type: single nucleotide variant.
Coding change: c.1135+5G>C on transcript NM_001369369.1 (MANE Select); 5 bases into the intron after coding-DNA position 1135, G replaced by C.
Molecular consequence: intron variant.
Genome position (GRCh38, 1-based): chr17:28,534,543, G>C. VCF-style: chr17-28534543-G-C. GRCh37 (hg19) VCF-style: chr17-26861561-G-C.
Other names: NM_003593.3:c.1135+5G>C; c.1135+5G>C (NM_003593.3).
Identifiers: ClinVar variation 2726823 (VCV002726823.4), dbSNP rs779158182, ClinGen allele CA8459436.